The following is an entry in ClinVar:

ClinVar aggregate classification (germline): Uncertain significance (1 of 4 stars; one submission).

Conditions:
Aortic valve disease 2 (AOVD2). Identifiers: MedGen C3542024, MONDO:0013902, OMIM 614823.

Submission:

Labcorp Genetics (formerly Invitae), Labcorp
Classification: Uncertain significance for Aortic valve disease 2. Last evaluated: 2025-03-02. Review status: criteria provided, single submitter. Criteria: Invitae Variant Classification Sherloc (09022015). Collection method: clinical testing. Allele origin: germline.
Comment: This sequence change affects a splice site in intron 1 of the SMAD6 gene. It is expected to disrupt RNA splicing. Variants that disrupt the donor or acceptor splice site typically lead to a loss of protein function (PMID: 16199547), however the current clinical and genetic evidence is not sufficient to establish whether loss-of-function variants in SMAD6 cause disease. This variant is not present in population databases (gnomAD no frequency). This variant has not been reported in the literature in individuals affected with SMAD6-related conditions. Algorithms developed to predict the effect of sequence changes on RNA splicing suggest that this variant may disrupt the consensus splice site. In summary, the available evidence is currently insufficient to determine the role of this variant in disease. Therefore, it has been classified as a Variant of Uncertain Significance.

Literature cited by the submitters: PubMed 16199547.

NM_005585.5(SMAD6):c.818-2del

Gene: SMAD6 (SMAD family member 6; plus strand). Cytogenetic location: 15q22.31.
Variant type: Deletion.
Coding change: c.818-2del on transcript NM_005585.5 (MANE Select); the canonical splice acceptor site of the intron before coding-DNA position 818, one base deleted (A; older notation c.818-2delA).
Molecular consequence: splice acceptor variant.
Genome position (GRCh38, 1-based): chr15:66,711,666, A deleted. VCF-style (leftmost placement, unchanged base first): chr15-66711665-CA-C. GRCh37 (hg19) VCF-style: chr15-67004003-CA-C.
Identifiers: ClinVar variation 4755129 (VCV004755129.1).